The following is an entry in ClinVar:

ClinVar aggregate classification (germline): Likely benign (1 of 4 stars; one submission).

gnomAD v4.1: 21 of 1,196,987 alleles (0.0018%); highest among the groups gnomAD compares: Non-Finnish European, 0.0018%; no homozygotes.

Submission:

CeGaT Center for Human Genetics Tuebingen
Classification: Likely benign. Last evaluated: 2026-07-01. Review status: criteria provided, single submitter. Criteria: CeGaT Center For Human Genetics Tuebingen Variant Classification Criteria Version 2. Collection method: clinical testing. Allele origin: germline. Affected: yes. Observed: 1 variant allele.
Comment: TEX11: BP4, BS2

NM_031276.3(TEX11):c.808G>A (p.Asp270Asn)

Gene: TEX11 (testis expressed 11; minus strand). Cytogenetic location: Xq13.1.
Variant type: single nucleotide variant.
Coding change: c.808G>A on transcript NM_031276.3 (MANE Select); coding-DNA position 808, G replaced by A.
Protein change: p.Asp270Asn; replaces aspartic acid 270 with asparagine.
Molecular consequence: missense variant.
Genome position (GRCh38, 1-based): chrX:70,740,736, C>T on the plus strand (G>A on the coding strand, the complement: TEX11 is on the minus strand). VCF-style: chrX-70740736-C-T. GRCh37 (hg19) VCF-style: chrX-69960586-C-T.
Other names: c.853G>A, p.Asp285Asn (NM_001003811.2); short protein forms D270N, D285N.
Identifiers: ClinVar variation 5038918 (VCV005038918.1).